The following is an entry in ClinVar:

NM_022041.4(GAN):c.1273G>A (p.Ala425Thr)

Gene: GAN (gigaxonin; plus strand). Cytogenetic location: 16q23.2.
Variant type: single nucleotide variant.
Coding change: c.1273G>A on transcript NM_022041.4 (MANE Select); coding-DNA position 1273, G replaced by A.
Protein change: p.Ala425Thr; replaces alanine 425 with threonine.
Molecular consequence: missense variant.
Genome position (GRCh38, 1-based): chr16:81,365,010, G>A. VCF-style: chr16-81365010-G-A. GRCh37 (hg19) VCF-style: chr16-81398615-G-A.
Other names: c.634G>A, p.Ala212Thr (NM_001377486.1); short protein forms A212T, A425T.
Identifiers: ClinVar variation 1766025 (VCV001766025.8), dbSNP rs1455154573, ClinGen allele CA396890865.

ClinVar aggregate classification (germline): Uncertain significance. Review status: criteria provided, multiple submitters, no conflicts (2 of 4 stars). 2 submissions from 2 submitters: Uncertain significance (2). Last evaluated 2024-09-08.

Conditions:
Inborn genetic diseases. Identifiers: MedGen C0950123, MeSH D030342.
Giant axonal neuropathy 1 (GAN1). Also called: GIANT AXONAL NEUROPATHY 1, AUTOSOMAL RECESSIVE; GAN-Related Neurodegeneration. Identifiers: Orphanet 643, MedGen C1850386, MONDO:0009749, OMIM 256850.

Allele frequency attached by ClinVar (database versions not stated): gnomAD 0.00001; gnomAD exomes 0.00001.
gnomAD v4.1: 13 of 1,613,596 alleles (0.00081%); highest among the groups gnomAD compares: East Asian, 0.013%; no homozygotes.

Submissions (2):

Ambry Genetics
Classification: Uncertain significance for Inborn genetic diseases. Last evaluated: 2024-09-08. Review status: criteria provided, single submitter. Criteria: Ambry Variant Classification Scheme 2023. Collection method: clinical testing. Allele origin: germline.

Labcorp Genetics (formerly Invitae), Labcorp
Classification: Uncertain significance for Giant axonal neuropathy 1. Last evaluated: 2022-04-20. Review status: criteria provided, single submitter. Criteria: Invitae Variant Classification Sherloc (09022015). Collection method: clinical testing. Allele origin: germline.
Comment: In summary, the available evidence is currently insufficient to determine the role of this variant in disease. Therefore, it has been classified as a Variant of Uncertain Significance. Algorithms developed to predict the effect of missense changes on protein structure and function are either unavailable or do not agree on the potential impact of this missense change (SIFT: "Tolerated"; PolyPhen-2: "Possibly Damaging"; Align-GVGD: "Class C0"). This variant has not been reported in the literature in individuals affected with GAN-related conditions. This variant is present in population databases (no rsID available, gnomAD 0.01%). This sequence change replaces alanine, which is neutral and non-polar, with threonine, which is neutral and polar, at codon 425 of the GAN protein (p.Ala425Thr).